The following is an entry in ClinVar:

NM_016151.4(TAOK2):c.3103C>T (p.Arg1035Cys)

Gene: TAOK2 (TAO kinase 2; plus strand). Cytogenetic location: 16p11.2.
Variant type: single nucleotide variant.
Coding change: c.3103C>T on transcript NM_016151.4 (MANE Select); coding-DNA position 3103, C replaced by T.
Protein change: p.Arg1035Cys; replaces arginine 1035 with cysteine.
Molecular consequence: missense variant. On other transcripts: intron variant (1).
Genome position (GRCh38, 1-based): chr16:29,987,375, C>T. VCF-style: chr16-29987375-C-T. GRCh37 (hg19) VCF-style: chr16-29998696-C-T.
Other names: c.2764C>T, p.Arg922Cys (NM_001252043.2); c.2232+871C>T (NM_004783.4); short protein forms R922C, R1035C.
Identifiers: ClinVar variation 1946866 (VCV001946866.5), dbSNP rs1223048815, ClinGen allele CA395498296.

ClinVar aggregate classification (germline): Uncertain significance (1 of 4 stars; one submission).

Allele frequency attached by ClinVar (database versions not stated): gnomAD 0.00001; gnomAD exomes 0.00001; TOPMed 0.00001.
gnomAD v4.1: 10 of 1,598,188 alleles (0.00063%); highest among the groups gnomAD compares: South Asian, 0.0022%; no homozygotes.

Submission:

Labcorp Genetics (formerly Invitae), Labcorp
Classification: Uncertain significance. Last evaluated: 2022-07-15. Review status: criteria provided, single submitter. Criteria: Invitae Variant Classification Sherloc (09022015). Collection method: clinical testing. Allele origin: germline.
Comment: In summary, the available evidence is currently insufficient to determine the role of this variant in disease. Therefore, it has been classified as a Variant of Uncertain Significance. Algorithms developed to predict the effect of missense changes on protein structure and function output the following: SIFT: "Deleterious"; PolyPhen-2: "Benign"; Align-GVGD: "Class C0". The cysteine amino acid residue is found in multiple mammalian species, which suggests that this missense change does not adversely affect protein function. This variant has not been reported in the literature in individuals affected with TAOK2-related conditions. The frequency data for this variant in the population databases is considered unreliable, as metrics indicate poor data quality at this position in the gnomAD database. This sequence change replaces arginine, which is basic and polar, with cysteine, which is neutral and slightly polar, at codon 1035 of the TAOK2 protein (p.Arg1035Cys).